The following is an entry in ClinVar:

NM_000022.4(ADA):c.88T>C (p.Tyr30His)

Genes: ADA (adenosine deaminase; minus strand), LOC107303343 (adenosine deaminase intronic regulatory elements; plus strand). Cytogenetic location: 20q13.12.
Variant type: single nucleotide variant.
Coding change: c.88T>C on transcript NM_000022.4 (MANE Select); coding-DNA position 88, T replaced by C.
Protein change: p.Tyr30His; replaces tyrosine 30 with histidine.
Molecular consequence: missense variant. On other transcripts: 5 prime UTR variant (1), non-coding transcript variant (1).
Genome position (GRCh38, 1-based): chr20:44,636,234, A>G on the plus strand (T>C on the coding strand, the complement: ADA is on the minus strand). VCF-style: chr20-44636234-A-G. GRCh37 (hg19) VCF-style: chr20-43264875-A-G.
Other names: c.-202T>C (NM_001322050.2); c.88T>C, p.Tyr30His (NM_001322051.2); short protein forms Y30H.
Identifiers: ClinVar variation 1343675 (VCV001343675.1), dbSNP rs775324175, ClinGen allele CA9871779.

ClinVar aggregate classification (germline): Uncertain significance (1 of 4 stars; one submission).

Allele frequency attached by ClinVar (database versions not stated): ExAC 0.00001; gnomAD 0.00001; gnomAD exomes below 0.00001.
gnomAD v4.1: 3 of 1,610,318 alleles (0.00019%); highest among the groups gnomAD compares: African/African-American, 0.0013%; no homozygotes.

Submission:

Women's Health and Genetics/Laboratory Corporation of America, LabCorp
Classification: Uncertain significance. Last evaluated: 2022-02-19. Review status: criteria provided, single submitter. Criteria: LabCorp Variant Classification Summary - May 2015. Collection method: clinical testing. Allele origin: germline.
Comment: Variant summary: ADA c.88T>C (p.Tyr30His) results in a conservative amino acid change located in the Adenosine deaminase domain (IPR001365) of the encoded protein sequence. Three of five in-silico tools predict a damaging effect of the variant on protein function. The variant allele was found at a frequency of 4.1e-06 in 245576 control chromosomes. The available data on variant occurrences in the general population are insufficient to allow any conclusion about variant significance. To our knowledge, no occurrence of c.88T>C in individuals affected with Severe Combined Immunodeficiency and no experimental evidence demonstrating its impact on protein function have been reported. No clinical diagnostic laboratories have submitted clinical-significance assessments for this variant to ClinVar after 2014. Based on the evidence outlined above, the variant was classified as uncertain significance.